The following is an entry in ClinVar:

NM_001042492.3(NF1):c.350T>G (p.Ile117Ser)

Gene: NF1 (neurofibromin 1; plus strand). Cytogenetic location: 17q11.2.
Variant type: single nucleotide variant.
Coding change: c.350T>G on transcript NM_001042492.3 (MANE Select); coding-DNA position 350, T replaced by G.
Protein change: p.Ile117Ser; replaces isoleucine 117 with serine.
Molecular consequence: missense variant.
Genome position (GRCh38, 1-based): chr17:31,163,247, T>G. VCF-style: chr17-31163247-T-G. GRCh37 (hg19) VCF-style: chr17-29490265-T-G.
Other names: c.350T>G, p.Ile117Ser (NM_000267.4, NM_001128147.3); short protein forms I117S.
Identifiers: ClinVar variation 68334 (VCV000068334.5), dbSNP rs199474731, ClinGen allele CA219518.

ClinVar aggregate classification (germline): Conflicting classifications of pathogenicity. Review status: criteria provided, conflicting classifications (1 of 4 stars). 3 submissions from 3 submitters: Likely pathogenic (1); Uncertain significance (1). 1 of the submissions does not count toward it. Last evaluated 2024-03-14.

Conditions:
Hereditary cancer-predisposing syndrome. Also called: Tumor predisposition; Hereditary Cancer Syndrome; Neoplastic Syndromes, Hereditary; Hereditary neoplastic syndrome. Identifiers: Orphanet 140162, MedGen C0027672, MeSH D009386, MONDO:0015356.
Cardiovascular phenotype. Identifiers: MedGen CN230736.
Neurofibromatosis, type 1 (NF1). Also called: Peripheral type neurofibromatosis; VON RECKLINGHAUSEN DISEASE; NEUROFIBROMATOSIS, TYPE I, SOMATIC; Neurofibromatosis, type I. Identifiers: Orphanet 636, MedGen C0027831, MONDO:0018975, OMIM 162200. Disease mechanism: loss of function.

Submissions (3):

Ambry Genetics
Classification: Uncertain significance for Cardiovascular phenotype; Hereditary cancer-predisposing syndrome. Last evaluated: 2024-03-14. Review status: criteria provided, single submitter. Criteria: Ambry Variant Classification Scheme 2023. Collection method: clinical testing. Allele origin: germline.
Comment: The p.I117S variant (also known as c.350T>G), located in coding exon 4 of the NF1 gene, results from a T to G substitution at nucleotide position 350. The isoleucine at codon 117 is replaced by serine, an amino acid with dissimilar properties. This alteration was identified in an individual with a clinical diagnosis of neurofibromatosis type 1 (NF1) (Ars E et al. Hum Mol Genet, 2000 Jan;9:237-47). This amino acid position is highly conserved in available vertebrate species. In addition, this alteration is predicted to be deleterious by in silico analysis. The variant is moderately destabilizing to the local structure (Ambry internal data). Based on the available evidence, the clinical significance of this alteration remains unclear.

Labcorp Genetics (formerly Invitae), Labcorp
Classification: Likely pathogenic for Neurofibromatosis, type 1. Last evaluated: 2024-02-29. Review status: criteria provided, single submitter. Criteria: Invitae Variant Classification Sherloc (09022015). Collection method: clinical testing. Allele origin: germline.
Comment: This sequence change replaces isoleucine, which is neutral and non-polar, with serine, which is neutral and polar, at codon 117 of the NF1 protein (p.Ile117Ser). This variant is not present in population databases (gnomAD no frequency). This missense change has been observed in individual(s) with Neurofibromatosis, type 1 (PMID: 10607834). ClinVar contains an entry for this variant (Variation ID: 68334). Advanced modeling of protein sequence and biophysical properties (such as structural, functional, and spatial information, amino acid conservation, physicochemical variation, residue mobility, and thermodynamic stability) performed at Invitae indicates that this missense variant is expected to disrupt NF1 protein function with a positive predictive value of 95%. In summary, the currently available evidence indicates that the variant is pathogenic, but additional data are needed to prove that conclusively. Therefore, this variant has been classified as Likely Pathogenic.

UniProtKB/Swiss-Prot
No classification provided. Review status: no classification provided. Collection method: not provided. Allele origin: not provided. Not counted in ClinVar's aggregate classification.

Literature cited by the submitters: PubMed 10607834 (cited by Labcorp Genetics (formerly Invitae), Labcorp).